The following is an entry in ClinVar:

ClinVar aggregate classification (germline): Pathogenic. Review status: criteria provided, multiple submitters, no conflicts (2 of 4 stars). 2 submissions from 2 submitters: Pathogenic (2). Last evaluated 2022-06-13.

Conditions:
Deficiency of alpha-mannosidase (MANSA). Also called: Mannosidosis, alpha-, types I and II; LYSOSOMAL ALPHA-D-MANNOSIDASE DEFICIENCY; Alpha-Mannosidosis. Identifiers: Orphanet 61, MedGen C0024748, MONDO:0009561, OMIM 248500.

Submissions (2):

Labcorp Genetics (formerly Invitae), Labcorp
Classification: Pathogenic for Deficiency of alpha-mannosidase. Last evaluated: 2022-06-13. Review status: criteria provided, single submitter. Criteria: Invitae Variant Classification Sherloc (09022015). Collection method: clinical testing. Allele origin: germline.
Comment: For these reasons, this variant has been classified as Pathogenic. ClinVar contains an entry for this variant (Variation ID: 1073941). This variant has not been reported in the literature in individuals affected with MAN2B1-related conditions. This variant is not present in population databases (gnomAD no frequency). This sequence change creates a premature translational stop signal (p.Leu917Serfs*6) in the MAN2B1 gene. It is expected to result in an absent or disrupted protein product. Loss-of-function variants in MAN2B1 are known to be pathogenic (PMID: 9915946, 22161967).

Genome-Nilou Lab
Classification: Pathogenic for Deficiency of alpha-mannosidase. Last evaluated: 2021-09-05. Review status: criteria provided, single submitter. Criteria: ACMG Guidelines, 2015. Collection method: clinical testing. Allele origin: germline. Affected: no.

Literature cited by the submitters: PubMed 9915946 (cited by Labcorp Genetics (formerly Invitae), Labcorp); PubMed 22161967 (cited by Labcorp Genetics (formerly Invitae), Labcorp).

NM_000528.4(MAN2B1):c.2748_2751del (p.Leu917fs)

Gene: MAN2B1 (mannosidase alpha class 2B member 1; minus strand). Cytogenetic location: 19p13.13.
Variant type: Deletion.
Coding change: c.2748_2751del on transcript NM_000528.4 (MANE Select); coding-DNA positions 2748 to 2751, 4 bases deleted (CTTG; older notation c.2748_2751delCTTG).
Protein change: p.Leu917fs; shifts the reading frame from leucine 917.
Molecular consequence: frameshift variant.
Genome position (GRCh38, 1-based): chr19:12,647,512-12,647,515, CAAG deleted on the plus strand (CTTG on the coding strand, the reverse complement: MAN2B1 is on the minus strand); deleting any 4 consecutive bases within chr19:12,647,512-12,647,516 gives the same sequence; the c. name uses the placement nearest the transcript's 3' end. VCF-style (leftmost placement, unchanged base first): chr19-12647511-CCAAG-C. GRCh37 (hg19) VCF-style: chr19-12758325-CCAAG-C.
Other names: c.2745_2748del, p.Leu916fs (NM_001173498.2); short protein forms L916fs, L917fs.
Identifiers: ClinVar variation 1073941 (VCV001073941.9), dbSNP rs2145221516, ClinGen allele CA2499225360.